The following is an entry in ClinVar:

Conditions:
Breast-ovarian cancer, familial, susceptibility to, 1 (BROVCA1). Also called: BRCA1 Hereditary Breast and Ovarian Cancer; OVARIAN CANCER, SUSCEPTIBILITY TO. Identifiers: Orphanet 145, MedGen C2676676, MONDO:0011450, OMIM 604370. Disease mechanism: loss of function.

Submission:

Brotman Baty Institute, University of Washington
No classification provided (evidence only). Condition: Breast-ovarian cancer, familial 1. Review status: no classification provided. Collection method: in vitro. Allele origin: not applicable. Functional consequence: functionally_normal.
ClinVar note: "not provided" was previously submitted as the classification for the variant. However, the classification appeared to be based only on an observation of functional data so it was converted to no classification on 2025-07-30.

NM_007294.4(BRCA1):c.4969C>T (p.Leu1657=)

Gene: BRCA1 (BRCA1 DNA repair associated; minus strand). Cytogenetic location: 17q21.31.
Variant type: single nucleotide variant.
Coding change: c.4969C>T on transcript NM_007294.4 (MANE Select); coding-DNA position 4969, C replaced by T.
Protein change: p.Leu1657=; no amino-acid change (leucine 1657 retained).
Molecular consequence: synonymous variant. On other transcripts: intron variant (1).
Genome position (GRCh38, 1-based): chr17:43,070,945, G>A on the plus strand (C>T on the coding strand, the complement: BRCA1 is on the minus strand). VCF-style: chr17-43070945-G-A. GRCh37 (hg19) VCF-style: chr17-41222962-G-A.
Other names: c.4825C>T, p.Leu1609= (NM_001407746.1, NM_001407747.1, NM_001407748.1 and 21 more transcripts); c.4822C>T, p.Leu1608= (NM_001407838.1, NM_001407839.1, NM_001407841.1 and 12 more transcripts); c.4969C>T, p.Leu1657= (NM_001407854.1, NM_001407593.1, NM_001407594.1 and 8 more transcripts); c.4966C>T, p.Leu1656= (NM_001407858.1, NM_001407859.1, NM_001407860.1 and 17 more transcripts); c.4963C>T, p.Leu1655= (NM_001407861.1, NM_001407627.1, NM_001407628.1 and 14 more transcripts); c.4768C>T, p.Leu1590= (NM_001407862.1); c.4843C>T, p.Leu1615= (NM_001407863.1, NM_001407939.1, NM_001407940.1 and 11 more transcripts); c.4762C>T, p.Leu1588= (NM_001407874.1, NM_001407875.1); and 71 more.
Identifiers: ClinVar variation 868885 (VCV000868885.3), dbSNP rs2052359756, ClinGen allele CA500231547.